The following is an entry in ClinVar:

ClinVar aggregate classification (germline): Uncertain significance (1 of 4 stars; one submission).

Conditions:
Inborn genetic diseases. Identifiers: MedGen C0950123, MeSH D030342.

gnomAD v4.1: 1 of 1,613,956 alleles (0.000062%); highest among the groups gnomAD compares: Non-Finnish European, 0.000085%; no homozygotes.

Submission:

Ambry Genetics
Classification: Uncertain significance for Inborn genetic diseases. Last evaluated: 2025-03-31. Review status: criteria provided, single submitter. Criteria: Ambry Variant Classification Scheme 2023. Collection method: clinical testing. Allele origin: germline.
Comment: The p.S82I variant (also known as c.245G>T), located in coding exon 3 of the FANCA gene, results from a G to T substitution at nucleotide position 245. The serine at codon 82 is replaced by isoleucine, an amino acid with dissimilar properties. This amino acid position is conserved. In addition, this alteration is predicted to be tolerated by in silico analysis. Based on the available evidence, the clinical significance of this variant remains unclear.

NM_000135.4(FANCA):c.245G>T (p.Ser82Ile)

Gene: FANCA (FA complementation group A; minus strand). Cytogenetic location: 16q24.3.
Variant type: single nucleotide variant.
Coding change: c.245G>T on transcript NM_000135.4 (MANE Select); coding-DNA position 245, G replaced by T.
Protein change: p.Ser82Ile; replaces serine 82 with isoleucine.
Molecular consequence: missense variant.
Genome position (GRCh38, 1-based): chr16:89,814,558, C>A on the plus strand (G>T on the coding strand, the complement: FANCA is on the minus strand). VCF-style: chr16-89814558-C-A. GRCh37 (hg19) VCF-style: chr16-89880966-C-A.
Other names: c.245G>T, p.Ser82Ile (NM_001018112.3, NM_001286167.3, NM_001351830.2); short protein forms S82I.
Identifiers: ClinVar variation 4022141 (VCV004022141.1).